The following is an entry in ClinVar:

NM_001035256.2(POMC):c.20_21ins25

Gene: POMC (proopiomelanocortin; minus strand). Cytogenetic location: 2p23.3.
Variant type: Insertion.
Coding change: c.20_21ins25 on transcript NM_001035256.2; coding-DNA positions 20 to 21, an insertion.
Identifiers: ClinVar variation 208711 (VCV000208711.2).

ClinVar aggregate classification (germline): Pathogenic (1 of 4 stars; one submission).

Conditions:
Inborn genetic diseases. Identifiers: MedGen C0950123, MeSH D030342.

Submission:

Ambry Genetics
Classification: Pathogenic for Inborn genetic diseases. Review status: criteria provided, single submitter. Criteria: Ambry exome assertion method (8-5-2015). Collection method: clinical testing. Allele origin: germline. Inheritance: Autosomal recessive inheritance. Affected: yes. Observed: 1 homozygote. Segregation with disease observed.
Comment: POSITIVE: Relevant Alteration(s) Detected

Literature cited by the submitters: PubMed 25356970.